The following is an entry in ClinVar:

ClinVar aggregate classification (germline): Uncertain significance (1 of 4 stars; one submission).

Allele frequency attached by ClinVar (database versions not stated): gnomAD exomes below 0.00001; ExAC 0.00001; gnomAD 0.00001; TOPMed 0.00001.
gnomAD v4.1: 2 of 1,612,876 alleles (0.00012%); highest among the groups gnomAD compares: Non-Finnish European, 0.000085%; no homozygotes.

Submission:

Labcorp Genetics (formerly Invitae), Labcorp
Classification: Uncertain significance. Last evaluated: 2021-07-01. Review status: criteria provided, single submitter. Criteria: Invitae Variant Classification Sherloc (09022015). Collection method: clinical testing. Allele origin: germline.
Comment: This sequence change replaces proline with leucine at codon 220 of the ASPM protein (p.Pro220Leu). The proline residue is moderately conserved and there is a moderate physicochemical difference between proline and leucine. This variant is present in population databases (rs749422547, ExAC 0.002%). This variant has not been reported in the literature in individuals affected with ASPM-related conditions. Algorithms developed to predict the effect of missense changes on protein structure and function output the following: SIFT: "Tolerated"; PolyPhen-2: "Possibly Damaging"; Align-GVGD: "Class C0". The leucine amino acid residue is found in multiple mammalian species, which suggests that this missense change does not adversely affect protein function. In summary, the available evidence is currently insufficient to determine the role of this variant in disease. Therefore, it has been classified as a Variant of Uncertain Significance.

NM_018136.5(ASPM):c.659C>T (p.Pro220Leu)

Gene: ASPM (assembly factor for spindle microtubules; minus strand). Cytogenetic location: 1q31.3.
Variant type: single nucleotide variant.
Coding change: c.659C>T on transcript NM_018136.5 (MANE Select); coding-DNA position 659, C replaced by T.
Protein change: p.Pro220Leu; replaces proline 220 with leucine.
Molecular consequence: missense variant.
Genome position (GRCh38, 1-based): chr1:197,143,593, G>A on the plus strand (C>T on the coding strand, the complement: ASPM is on the minus strand). VCF-style: chr1-197143593-G-A. GRCh37 (hg19) VCF-style: chr1-197112723-G-A.
Other names: c.659C>T, p.Pro220Leu (NM_001206846.2); short protein forms P220L.
Identifiers: ClinVar variation 1502693 (VCV001502693.8), dbSNP rs749422547, ClinGen allele CA1310830.